The following is an entry in ClinVar:

NM_006767.4(LZTR1):c.1537A>C (p.Ile513Leu)

Gene: LZTR1 (leucine zipper like post translational regulator 1; plus strand). Cytogenetic location: 22q11.21.
Variant type: single nucleotide variant.
Coding change: c.1537A>C on transcript NM_006767.4 (MANE Select); coding-DNA position 1537, A replaced by C.
Protein change: p.Ile513Leu; replaces isoleucine 513 with leucine.
Molecular consequence: missense variant.
Genome position (GRCh38, 1-based): chr22:20,994,191, A>C. VCF-style: chr22-20994191-A-C. GRCh37 (hg19) VCF-style: chr22-21348480-A-C.
Other names: short protein forms I513L.
Identifiers: ClinVar variation 3238091 (VCV003238091.1), dbSNP rs2518620962.
Genomic context (GRCh38, chr22:20,994,191, plus strand): 5'-CCCAGGGAGGCCCCCGGCGTGGCTGCTGGTGGGGCCCGGCCGCCCCTGCTGCACGTGGCC[A>C]TCCGGGAGGCCGAGGCCCGGCCCTTCGAGGTGCTCATGCAGTTCCTCTACACCGACAAGA-3'
Protein context (NP_006758.2, residues 503-523): GARPPLLHVA[Ile513Leu]REAEARPFEV

ClinVar aggregate classification (germline): Uncertain significance (1 of 4 stars; one submission).

Conditions:
Hereditary cancer-predisposing syndrome. Also called: Neoplastic Syndromes, Hereditary; Tumor predisposition; Hereditary neoplastic syndrome; Hereditary Cancer Syndrome. Identifiers: Orphanet 140162, MedGen C0027672, MeSH D009386, MONDO:0015356.
Cardiovascular phenotype. Identifiers: MedGen CN230736.

Submission:

Ambry Genetics
Classification: Uncertain significance for Cardiovascular phenotype; Hereditary cancer-predisposing syndrome. Last evaluated: 2023-12-18. Review status: criteria provided, single submitter. Criteria: Ambry Variant Classification Scheme 2023. Collection method: clinical testing. Allele origin: germline.
Comment: The p.I513L variant (also known as c.1537A>C), located in coding exon 14 of the LZTR1 gene, results from an A to C substitution at nucleotide position 1537. The isoleucine at codon 513 is replaced by leucine, an amino acid with highly similar properties. This amino acid position is conserved. In addition, this alteration is predicted to be tolerated by in silico analysis. Since supporting evidence is limited at this time, the clinical significance of this alteration remains unclear.